The following is an entry in ClinVar:

NM_024876.4(COQ8B):c.1521C>T (p.Ala507=)

Gene: COQ8B (coenzyme Q8B; minus strand). Cytogenetic location: 19q13.2.
Variant type: single nucleotide variant.
Coding change: c.1521C>T on transcript NM_024876.4 (MANE Select); coding-DNA position 1521, C replaced by T.
Protein change: p.Ala507=; no amino-acid change (alanine 507 retained).
Molecular consequence: synonymous variant.
Genome position (GRCh38, 1-based): chr19:40,692,149, G>A on the plus strand (C>T on the coding strand, the complement: COQ8B is on the minus strand). VCF-style: chr19-40692149-G-A. GRCh37 (hg19) VCF-style: chr19-41198054-G-A.
Other names: c.1398C>T, p.Ala466= (NM_001142555.3).
Identifiers: ClinVar variation 4874657 (VCV004874657.2).

ClinVar aggregate classification (germline): Likely benign (1 of 4 stars; one submission).

Submission:

CeGaT Center for Human Genetics Tuebingen
Classification: Likely benign. Last evaluated: 2026-04-01. Review status: criteria provided, single submitter. Criteria: CeGaT Center For Human Genetics Tuebingen Variant Classification Criteria Version 2. Collection method: clinical testing. Allele origin: germline. Affected: yes. Observed: 1 variant allele.
Comment: COQ8B: BP4, BP7